The following is an entry in ClinVar:

ClinVar aggregate classification (germline): Uncertain significance (1 of 4 stars; one submission).

Submission:

Labcorp Genetics (formerly Invitae), Labcorp
Classification: Uncertain significance. Last evaluated: 2022-06-08. Review status: criteria provided, single submitter. Criteria: Invitae Variant Classification Sherloc (09022015). Collection method: clinical testing. Allele origin: germline.
Comment: In summary, the available evidence is currently insufficient to determine the role of this variant in disease. Therefore, it has been classified as a Variant of Uncertain Significance. Algorithms developed to predict the effect of sequence changes on RNA splicing suggest that this variant may disrupt the consensus splice site. Algorithms developed to predict the effect of missense changes on protein structure and function are either unavailable or do not agree on the potential impact of this missense change (SIFT: "Deleterious"; PolyPhen-2: "Benign"; Align-GVGD: "Class C0"). This variant has not been reported in the literature in individuals affected with DSCAML1-related conditions. This variant is not present in population databases (gnomAD no frequency). This sequence change replaces aspartic acid, which is acidic and polar, with glutamic acid, which is acidic and polar, at codon 1389 of the DSCAML1 protein (p.Asp1389Glu).

NM_020693.4(DSCAML1):c.3987C>G (p.Asp1329Glu)

Gene: DSCAML1 (DS cell adhesion molecule like 1; minus strand). Cytogenetic location: 11q23.3.
Variant type: single nucleotide variant.
Coding change: c.3987C>G on transcript NM_020693.4 (MANE Select); coding-DNA position 3987, C replaced by G.
Protein change: p.Asp1329Glu; replaces aspartic acid 1329 with glutamic acid.
Molecular consequence: missense variant.
Genome position (GRCh38, 1-based): chr11:117,439,423, G>C on the plus strand (C>G on the coding strand, the complement: DSCAML1 is on the minus strand). VCF-style: chr11-117439423-G-C. GRCh37 (hg19) VCF-style: chr11-117310139-G-C.
Other names: short protein forms D1329E.
Identifiers: ClinVar variation 1958109 (VCV001958109.5), dbSNP rs2543005232, ClinGen allele CA382761496.